The following is an entry in ClinVar:

ClinVar aggregate classification (germline): Uncertain significance (1 of 4 stars; one submission).

Conditions:
Developmental and epileptic encephalopathy 94 (DEE94). Also called: Epileptic encephalopathy, childhood-onset; CHD2-Related Neurodevelopmental Disorders. Identifiers: Orphanet 1942, Orphanet 2382, MedGen C3809278, MONDO:0014150, OMIM 615369.

Allele frequency attached by ClinVar (database versions not stated): gnomAD exomes below 0.00001; gnomAD 0.00001.
gnomAD v4.1: 1 of 1,614,092 alleles (0.000062%); highest among the groups gnomAD compares: Admixed American, 0.0017%; no homozygotes.

Submission:

Labcorp Genetics (formerly Invitae), Labcorp
Classification: Uncertain significance for Developmental and epileptic encephalopathy 94. Last evaluated: 2022-11-01. Review status: criteria provided, single submitter. Criteria: Invitae Variant Classification Sherloc (09022015). Collection method: clinical testing. Allele origin: germline.
Comment: In summary, the available evidence is currently insufficient to determine the role of this variant in disease. Therefore, it has been classified as a Variant of Uncertain Significance. Advanced modeling of protein sequence and biophysical properties (such as structural, functional, and spatial information, amino acid conservation, physicochemical variation, residue mobility, and thermodynamic stability) performed at Invitae indicates that this missense variant is not expected to disrupt CHD2 protein function. ClinVar contains an entry for this variant (Variation ID: 1355703). This variant has not been reported in the literature in individuals affected with CHD2-related conditions. This variant is present in population databases (no rsID available, gnomAD 0.0009%). This sequence change replaces tyrosine, which is neutral and polar, with cysteine, which is neutral and slightly polar, at codon 1670 of the CHD2 protein (p.Tyr1670Cys).

NM_001271.4(CHD2):c.5009A>G (p.Tyr1670Cys)

Gene: CHD2 (chromodomain helicase DNA binding protein 2; plus strand). Cytogenetic location: 15q26.1.
Variant type: single nucleotide variant.
Coding change: c.5009A>G on transcript NM_001271.4 (MANE Select); coding-DNA position 5009, A replaced by G.
Protein change: p.Tyr1670Cys; replaces tyrosine 1670 with cysteine.
Molecular consequence: missense variant.
Genome position (GRCh38, 1-based): chr15:93,020,114, A>G. VCF-style: chr15-93020114-A-G. GRCh37 (hg19) VCF-style: chr15-93563344-A-G.
Other names: short protein forms Y1670C.
Identifiers: ClinVar variation 1355703 (VCV001355703.6), dbSNP rs897082911, ClinGen allele CA274888388.